The following is an entry in ClinVar:

NM_001201543.2(FAM161A):c.825T>C (p.Asp275=)

Gene: FAM161A (FAM161 centrosomal protein A; minus strand). Cytogenetic location: 2p15.
Variant type: single nucleotide variant.
Coding change: c.825T>C on transcript NM_001201543.2 (MANE Select); coding-DNA position 825, T replaced by C.
Protein change: p.Asp275=; no amino-acid change (aspartic acid 275 retained).
Molecular consequence: synonymous variant. On other transcripts: non-coding transcript variant (1).
Genome position (GRCh38, 1-based): chr2:61,840,179, A>G on the plus strand (T>C on the coding strand, the complement: FAM161A is on the minus strand). VCF-style: chr2-61840179-A-G. GRCh37 (hg19) VCF-style: chr2-62067314-A-G.
Other names: c.825T>C, p.Asp275= (NM_032180.3).
Identifiers: ClinVar variation 3348456 (VCV003348456.1).
Genomic context (GRCh38, chr2:61,840,179, plus strand): 5'-AAGGGGGAGAAAGACAGATGCAGGAACTGGATTGGCTCGGAATTTCTTCTTATACTCTGG[A>G]TCCTCTTCTTGTTTTTTGAGCGCTTTATGTACCATTTCGATATCTGATTTAGATTTCATG-3'
Protein context (NP_001188472.1, residues 265-285): VHKALKKQEE[Asp275=]PEYKKKFRAN

ClinVar aggregate classification (germline): Likely benign (0 of 4 stars; one submission).

Conditions:
FAM161A-related disorder. Also called: FAM161A-related condition.

Submission:

PreventionGenetics, part of Exact Sciences
Classification: Likely benign for FAM161A-related condition. Last evaluated: 2024-08-05. Review status: no assertion criteria provided. Collection method: clinical testing. Allele origin: germline.
Comment: This variant is classified as likely benign based on ACMG/AMP sequence variant interpretation guidelines (Richards et al. 2015 PMID: 25741868, with internal and published modifications).